The following is an entry in ClinVar:

NM_004035.7(ACOX1):c.269+4910G>A

Gene: ACOX1 (acyl-CoA oxidase 1; minus strand). Cytogenetic location: 17q25.1.
Variant type: single nucleotide variant.
Coding change: c.269+4910G>A on transcript NM_004035.7 (MANE Select); 4910 bases into the intron after coding-DNA position 269, G replaced by A.
Molecular consequence: intron variant. On other transcripts: splice donor variant (1).
Genome position (GRCh38, 1-based): chr17:75,973,624, C>T on the plus strand (G>A on the coding strand, the complement: ACOX1 is on the minus strand). VCF-style: chr17-75973624-C-T. GRCh37 (hg19) VCF-style: chr17-73969705-C-T.
Other names: c.430+1G>A (NM_007292.6); c.155+4910G>A (NM_001185039.2).
Identifiers: ClinVar variation 4983756 (VCV004983756.1).
Genomic context (GRCh38, chr17:75,973,624, plus strand): 5'-GCAATCACTGTTAACTGATGTCCTGAGGTGGGTTACCCACAGACCCTCAATGTGGACTAA[C>T]CGTGGCCCATTTCCGTCTGGGCGTAGGTGCCAATTATCTGGAGTCCTTTGGATGAAAGCA-3'

ClinVar aggregate classification (germline): Uncertain significance (1 of 4 stars; one submission).

Conditions:
ACOX1-related disorder. Also called: ACOX1-related disorders; ACOX1-related condition.

gnomAD v4.1: 2 of 1,614,172 alleles (0.00012%); highest among the groups gnomAD compares: South Asian, 0.0011%; no homozygotes.

Submission:

PreventionGenetics, part of Exact Sciences
Classification: Uncertain significance for ACOX1-related condition. Last evaluated: 2026-01-27. Review status: criteria provided, single submitter. Criteria: ACMG Guidelines, 2015. Collection method: clinical testing. Allele origin: germline.
Comment: The ACOX1 c.430+1G>A variant is predicted to disrupt the GT donor site and interfere with normal splicing. On an alternative transcript (NM_007292.5), this variant is referred to c.430+1G>A, which is predicted to disrupt splicing based on available splicing prediction programs (SpliceAI, Jaganathan et al. 2019. PubMed ID: 30661751), however it is unclear if this transcript is clinically relevant. To our knowledge, this variant has not been reported in the literature or in a large population database (gnomAD), indicating this variant is rare. At this time, the clinical significance of this variant is uncertain due to the absence of conclusive functional and genetic evidence.